The following is an entry in ClinVar:

ClinVar aggregate classification (germline): Pathogenic (1 of 4 stars; one submission).

Conditions:
Hereditary cancer-predisposing syndrome. Also called: Neoplastic Syndromes, Hereditary; Tumor predisposition; Hereditary Cancer Syndrome; Hereditary neoplastic syndrome. Identifiers: Orphanet 140162, MedGen C0027672, MeSH D009386, MONDO:0015356.

Submission:

Ambry Genetics
Classification: Pathogenic for Hereditary cancer-predisposing syndrome. Last evaluated: 2021-09-24. Review status: criteria provided, single submitter. Criteria: Ambry Variant Classification Scheme 2023. Collection method: clinical testing. Allele origin: germline.
Comment: The c.7528_7531dupCTGT pathogenic mutation, located in coding exon 14 of the BRCA2 gene, results from a duplication of CTGT at nucleotide position 7528, causing a translational frameshift with a predicted alternate stop codon (p.Y2511Sfs*29). This alteration is expected to result in loss of function by premature protein truncation or nonsense-mediated mRNA decay and is considered to be rare based on population cohorts in the Genome Aggregation Database (gnomAD). As such, this alteration is interpreted as a disease-causing mutation.

NM_000059.4(BRCA2):c.7528_7531dup (p.Tyr2511fs)

Gene: BRCA2 (BRCA2 DNA repair associated; plus strand). Cytogenetic location: 13q13.1.
Variant type: Duplication.
Coding change: c.7528_7531dup on transcript NM_000059.4 (MANE Select); coding-DNA positions 7528 to 7531, 4 bases duplicated (CTGT; older notation c.7528_7531dupCTGT).
Protein change: p.Tyr2511fs; shifts the reading frame from tyrosine 2511.
Molecular consequence: frameshift variant.
Genome position (GRCh38, 1-based): chr13:32,356,520-32,356,523, CTGT duplicated; duplicating any 4 consecutive bases within chr13:32,356,518-32,356,523 gives the same sequence; the c. name uses the placement nearest the transcript's 3' end. VCF-style (leftmost placement, unchanged base first): chr13-32356517-A-AGTCT. GRCh37 (hg19) VCF-style: chr13-32930654-A-AGTCT.
Other names: c.7432_7435dup, p.Tyr2479Serfs (NM_001406719.1); c.7528_7531dup, p.Tyr2511Serfs (NM_001406720.1); c.2596_2599dup, p.Tyr867Serfs (NM_001406721.1); c.1111_1114dup, p.Tyr372Serfs (NM_001406722.1); c.7528_7531dupCTGT (NM_000059.3); short protein forms Y2511fs.
Identifiers: ClinVar variation 1759353 (VCV001759353.2), dbSNP rs2548541476, ClinGen allele CA2580087473.